The following is an entry in ClinVar:

NM_001267550.2(TTN):c.77546C>A (p.Ser25849Ter)

Genes: TTN (titin; minus strand), TTN-AS1 (TTN antisense RNA 1; plus strand). Cytogenetic location: 2q31.2.
Variant type: single nucleotide variant.
Coding change: c.77546C>A on transcript NM_001267550.2 (MANE Select); coding-DNA position 77546, C replaced by A.
Protein change: p.Ser25849Ter; replaces serine 25849 with a stop codon.
Molecular consequence: nonsense.
Genome position (GRCh38, 1-based): chr2:178,568,586, G>T on the plus strand (C>A on the coding strand, the complement: TTN is on the minus strand). VCF-style: chr2-178568586-G-T. GRCh37 (hg19) VCF-style: chr2-179433313-G-T.
Other names: c.72623C>A, p.Ser24208Ter (NM_001256850.1); c.50351C>A, p.Ser16784Ter (NM_003319.4); c.69842C>A, p.Ser23281Ter (NM_133378.4); c.50726C>A, p.Ser16909Ter (NM_133432.3); c.50927C>A, p.Ser16976Ter (NM_133437.4); short protein forms S25849*, S23281*, S16909*, S16976*, S24208*, S16784*.
Identifiers: ClinVar variation 2566358 (VCV002566358.2), dbSNP rs2468369853, ClinGen allele CA349610035.
Genomic context (GRCh38, chr2:178,568,586, plus strand): 5'-CCATATTGTCCACCATCATCCTTATGAGTTTCTTTAATACTGAGTGTGGTGAGATCCAGT[G>T]AATCGGTAACATTGATTCTTGTGGTCTGCTTCAGTGGGAGACCATCTTTAGTCCAGGTAA-3'

ClinVar aggregate classification (germline): Likely pathogenic (1 of 4 stars; one submission).

Conditions:
Cardiovascular phenotype. Identifiers: MedGen CN230736.

Submission:

Ambry Genetics
Classification: Likely pathogenic for Cardiovascular phenotype. Last evaluated: 2023-03-31. Review status: criteria provided, single submitter. Criteria: Ambry Variant Classification Scheme 2023. Collection method: clinical testing. Allele origin: germline.
Comment: The p.S16784* variant (also known as c.50351C>A), located in coding exon 153 of the TTN gene, results from a C to A substitution at nucleotide position 50351. This changes the amino acid from a serine to a stop codon within coding exon 153. This exon is located in the A-band region of the N2-B isoform of the titin protein and is constitutively expressed in TTN transcripts (percent spliced in or PSI 100%). This variant is considered to be rare based on population cohorts in the Genome Aggregation Database (gnomAD). This alteration is expected to result in loss of function by premature protein truncation or nonsense-mediated mRNA decay. While truncating variants in TTN are present in 1-3% of the general population, truncating variants in the A-band are the most common cause of dilated cardiomyopathy (DCM) (Herman DS et al. N. Engl. J. Med., 2012 Feb;366:619-28; Roberts AM et al. Sci Transl Med, 2015 Jan;7:270ra6). TTN truncating variants encoded in constitutive exons (PSI >90%) have been found to be significantly associated with DCM regardless of their position in titin (Schafer S et al. Nat. Genet., 2017 01;49:46-53). Based on the majority of available evidence to date, this variant is likely to be pathogenic.